The following is an entry in ClinVar:

ClinVar aggregate classification (germline): Likely pathogenic (1 of 4 stars; one submission).

Conditions:
Inborn genetic diseases. Identifiers: MedGen C0950123, MeSH D030342.

Allele frequency attached by ClinVar (database versions not stated): gnomAD exomes below 0.00001; gnomAD 0.00001 and 0.00002; TOPMed 0.00002.
gnomAD v4.1: 4 of 1,613,854 alleles (0.00025%); highest among the groups gnomAD compares: Admixed American, 0.0017%; no homozygotes.

Submission:

Ambry Genetics
Classification: Likely pathogenic for Inborn genetic diseases. Last evaluated: 2016-11-29. Review status: criteria provided, single submitter. Criteria: Ambry Variant Classification Scheme 2023. Collection method: clinical testing. Allele origin: germline.
Comment: The c.2276-1G>A intronic variant results from a G to A substitution one nucleotide upstream from coding exon 14 of the TRAPPC9 gene. This nucleotide position is highly conserved in available vertebrate species. Using the BDGP and ESEfinder splice site prediction tools, this alteration is predicted to weaken the efficiency of the native splice acceptor site; however, direct evidence is unavailable. Alterations that disrupt the canonical splice site are expected to cause aberrant splicing, resulting in an abnormal protein or a transcript that is subject to nonsense-mediated mRNA decay. As such, this alteration is classified as likely pathogenic.

NM_001160372.4(TRAPPC9):c.1982-1G>A

Gene: TRAPPC9 (trafficking protein particle complex subunit 9; minus strand). Cytogenetic location: 8q24.3.
Variant type: single nucleotide variant.
Coding change: c.1982-1G>A on transcript NM_001160372.4 (MANE Select); the canonical splice acceptor site of the intron before coding-DNA position 1982, G replaced by A.
Molecular consequence: splice acceptor variant.
Genome position (GRCh38, 1-based): chr8:140,284,022, C>T on the plus strand (G>A on the coding strand, the complement: TRAPPC9 is on the minus strand). VCF-style: chr8-140284022-C-T. GRCh37 (hg19) VCF-style: chr8-141294121-C-T.
Other names: c.1982-1G>A (NM_031466.8, NM_001374683.1); c.1955-1G>A (NM_001321646.2); c.1838-1G>A (NM_001374684.1); c.2003-1G>A (NM_001374682.1).
Identifiers: ClinVar variation 588493 (VCV000588493.5), dbSNP rs1465738840, ClinGen allele CA372315270.